The following is an entry in ClinVar:

ClinVar aggregate classification (germline): Uncertain significance (1 of 4 stars; one submission).

Conditions:
Familial thoracic aortic aneurysm and aortic dissection (TAAD). Also called: Thoracic aortic aneurysms and dissections. Identifiers: Orphanet 91387, MedGen C4707243, MONDO:0019625.

Submission:

All of Us Research Program, National Institutes of Health
Classification: Uncertain significance for Familial thoracic aortic aneurysm and aortic dissection. Last evaluated: 2023-08-08. Review status: criteria provided, single submitter. Criteria: ACMG Guidelines, 2015. Collection method: clinical testing. Allele origin: germline. Inheritance: Autosomal dominant inheritance. Observed: 2 variant alleles, 2 heterozygotes.
Comment: This missense variant replaces proline with serine at codon 532 of the MYH11 protein. Computational prediction is inconclusive regarding the impact of this variant on protein structure and function (internally defined REVEL score threshold 0.5 < inconclusive < 0.7, PMID: 27666373). To our knowledge, functional studies have not been reported for this variant. This variant has not been reported in individuals affected with MYH11-related disorders in the literature. This variant has not been identified in the general population by the Genome Aggregation Database (gnomAD). The available evidence is insufficient to determine the role of this variant in disease conclusively. Therefore, this variant is classified as a Variant of Uncertain Significance.

This study involves interpretation of variants in research participants for the purpose of population health screening. Participant phenotype was not available at the time of variant classification. Additional details can be found in publication PMID: 35346344, PMCID: PMC8962531

NM_002474.3(MYH11):c.1573C>T (p.Pro525Ser)

Gene: MYH11 (myosin heavy chain 11; minus strand). Cytogenetic location: 16p13.11.
Variant type: single nucleotide variant.
Coding change: c.1573C>T on transcript NM_002474.3 (MANE Select); coding-DNA position 1573, C replaced by T.
Protein change: p.Pro525Ser; replaces proline 525 with serine.
Molecular consequence: missense variant.
Genome position (GRCh38, 1-based): chr16:15,757,829, G>A on the plus strand (C>T on the coding strand, the complement: MYH11 is on the minus strand). VCF-style: chr16-15757829-G-A. GRCh37 (hg19) VCF-style: chr16-15851686-G-A.
Other names: c.1594C>T, p.Pro532Ser (NM_001040113.2, NM_001040114.2); c.1573C>T, p.Pro525Ser (NM_022844.3); short protein forms P525S, P532S.
Identifiers: ClinVar variation 3072211 (VCV003072211.1), dbSNP rs2506378637, ClinGen allele CA394870639.